The following is an entry in ClinVar:

ClinVar aggregate classification (germline): Uncertain significance (1 of 4 stars; one submission).

Conditions:
Ullrich congenital muscular dystrophy 2 (UCMD2). Identifiers: Orphanet 75840, MedGen C4225314, MONDO:0014654, OMIM 616470.
Bethlem myopathy 2 (BTHLM2). Identifiers: Orphanet 536516, Orphanet 610, MedGen C4225313, MONDO:0034022, OMIM 616471.

Allele frequency attached by ClinVar (database versions not stated): gnomAD exomes below 0.00001; TOPMed below 0.00001.
gnomAD v4.1: 5 of 1,613,994 alleles (0.00031%); highest among the groups gnomAD compares: Non-Finnish European, 0.00034%; no homozygotes.

Submission:

Labcorp Genetics (formerly Invitae), Labcorp
Classification: Uncertain significance for Bethlem myopathy 2; Ullrich congenital muscular dystrophy 2. Last evaluated: 2025-10-16. Review status: criteria provided, single submitter. Criteria: Invitae Variant Classification Sherloc (09022015). Collection method: clinical testing. Allele origin: germline.
Comment: This sequence change replaces glutamic acid, which is acidic and polar, with lysine, which is basic and polar, at codon 1887 of the COL12A1 protein (p.Glu1887Lys). This variant is not present in population databases (gnomAD no frequency). This variant has not been reported in the literature in individuals affected with COL12A1-related conditions. ClinVar contains an entry for this variant (Variation ID: 1403562). Invitae Evidence Modeling of protein sequence and biophysical properties (such as structural, functional, and spatial information, amino acid conservation, physicochemical variation, residue mobility, and thermodynamic stability) indicates that this missense variant is not expected to disrupt COL12A1 protein function with a negative predictive value of 80%. In summary, the available evidence is currently insufficient to determine the role of this variant in disease. Therefore, it has been classified as a Variant of Uncertain Significance.

NM_004370.6(COL12A1):c.5659G>A (p.Glu1887Lys)

Gene: COL12A1 (collagen type XII alpha 1 chain; minus strand). Cytogenetic location: 6q13.
Variant type: single nucleotide variant.
Coding change: c.5659G>A on transcript NM_004370.6 (MANE Select); coding-DNA position 5659, G replaced by A.
Protein change: p.Glu1887Lys; replaces glutamic acid 1887 with lysine.
Molecular consequence: missense variant.
Genome position (GRCh38, 1-based): chr6:75,133,863, C>T on the plus strand (G>A on the coding strand, the complement: COL12A1 is on the minus strand). VCF-style: chr6-75133863-C-T. GRCh37 (hg19) VCF-style: chr6-75843579-C-T.
Other names: c.2167G>A, p.Glu723Lys (NM_080645.3); short protein forms E723K, E1887K.
Identifiers: ClinVar variation 1403562 (VCV001403562.6), dbSNP rs1766437313, ClinGen allele CA364734688.
Genomic context (GRCh38, chr6:75,133,863, plus strand): 5'-ATCACTCAGCTACCATTTAAACAAACTAGCATTTTTTACTACAAGAAATAATTACCAGTT[C>T]CTCTGGACCACCTGCTGCTGGTGCATAGAAGAGCTTGTACTGACGAGGATTTCCCTCTGC-3'
Protein context (NP_004361.3, residues 1877-1897): FYAPAAGGPE[Glu1887Lys]LVPIPGNTNY